The following is an entry in ClinVar:

ClinVar aggregate classification (germline): Conflicting classifications of pathogenicity. Review status: criteria provided, conflicting classifications (1 of 4 stars). 2 submissions from 2 submitters: Pathogenic (1); Uncertain significance (1). Last evaluated 2025-02-05.

Conditions:
Cardiovascular phenotype. Identifiers: MedGen CN230736.
Hereditary cancer-predisposing syndrome. Also called: Neoplastic Syndromes, Hereditary; Tumor predisposition; Hereditary Cancer Syndrome; Hereditary neoplastic syndrome. Identifiers: Orphanet 140162, MedGen C0027672, MeSH D009386, MONDO:0015356.

Submissions (2):

Ambry Genetics
Classification: Uncertain significance for Cardiovascular phenotype; Hereditary cancer-predisposing syndrome. Last evaluated: 2025-02-05. Review status: criteria provided, single submitter. Criteria: Ambry Variant Classification Scheme 2023. Collection method: clinical testing. Allele origin: germline.
Comment: The c.593+2T>A intronic variant results from a T to A substitution two nucleotides after coding exon 6 in the LZTR1 gene. This variant has been identified in conjunction with other LZTR1 variant(s) in individual(s) with features consistent with LZTR1-related schwannomatosis/Noonan syndrome; in at least one instance, the variants were identified in trans (Fu F et al. Genome Med, 2022 Oct;14:123). In silico splice site analysis predicts that this alteration will weaken the native splice donor site. RNA studies have demonstrated that this alteration results in a transcript predicted to lead to a protein with an in-frame deletion of 28 amino acids; however, the exact functional impact of the deleted amino acids is unknown at this time (Ambry internal data). This nucleotide position is highly conserved in available vertebrate species. Based on the available evidence, the clinical significance of this variant remains unclear.

Labcorp Genetics (formerly Invitae), Labcorp
Classification: Pathogenic. Last evaluated: 2024-01-09. Review status: criteria provided, single submitter. Criteria: Invitae Variant Classification Sherloc (09022015). Collection method: clinical testing. Allele origin: germline.
Comment: This sequence change affects a donor splice site in intron 6 of the LZTR1 gene. It is expected to disrupt RNA splicing. Variants that disrupt the donor or acceptor splice site typically lead to a loss of protein function (PMID: 16199547), and loss-of-function variants in LZTR1 are known to be pathogenic (PMID: 24362817, 25335493, 25480913, 25795793, 29469822, 30368668, 30442762, 30442766, 30481304, 30859559). This variant is not present in population databases (gnomAD no frequency). Disruption of this splice site has been observed in individual(s) with LZTR1-related conditions (PMID: 36307859). In at least one individual the data is consistent with being in trans (on the opposite chromosome) from a pathogenic variant. Algorithms developed to predict the effect of sequence changes on RNA splicing suggest that this variant may disrupt the consensus splice site. For these reasons, this variant has been classified as Pathogenic.

Literature cited by the submitters: PubMed 36307859 (cited by Ambry Genetics and Labcorp Genetics (formerly Invitae), Labcorp); PubMed 16199547 (cited by Labcorp Genetics (formerly Invitae), Labcorp); PubMed 24362817 (cited by Labcorp Genetics (formerly Invitae), Labcorp); PubMed 25335493 (cited by Labcorp Genetics (formerly Invitae), Labcorp); PubMed 25480913 (cited by Labcorp Genetics (formerly Invitae), Labcorp); PubMed 25795793 (cited by Labcorp Genetics (formerly Invitae), Labcorp); PubMed 29469822 (cited by Labcorp Genetics (formerly Invitae), Labcorp); PubMed 30368668 (cited by Labcorp Genetics (formerly Invitae), Labcorp); PubMed 30442762 (cited by Labcorp Genetics (formerly Invitae), Labcorp); PubMed 30442766 (cited by Labcorp Genetics (formerly Invitae), Labcorp); PubMed 30481304 (cited by Labcorp Genetics (formerly Invitae), Labcorp); PubMed 30859559 (cited by Labcorp Genetics (formerly Invitae), Labcorp).

NM_006767.4(LZTR1):c.593+2T>A

Gene: LZTR1 (leucine zipper like post translational regulator 1; plus strand). Cytogenetic location: 22q11.21.
Variant type: single nucleotide variant.
Coding change: c.593+2T>A on transcript NM_006767.4 (MANE Select); the canonical splice donor site of the intron after coding-DNA position 593, T replaced by A.
Molecular consequence: splice donor variant.
Genome position (GRCh38, 1-based): chr22:20,988,874, T>A. VCF-style: chr22-20988874-T-A. GRCh37 (hg19) VCF-style: chr22-21343163-T-A.
Other names: c.593+2T>A (NM_006767.3).
Identifiers: ClinVar variation 2708404 (VCV002708404.4), dbSNP rs1601717829, ClinGen allele CA410780257.